The following is an entry in ClinVar:

ClinVar aggregate classification (germline): Uncertain significance. Review status: criteria provided, multiple submitters, no conflicts (2 of 4 stars). 2 submissions from 2 submitters: Uncertain significance (2). Last evaluated 2025-07-22.

Conditions:
Hereditary cancer-predisposing syndrome. Also called: Hereditary Cancer Syndrome; Tumor predisposition; Neoplastic Syndromes, Hereditary; Hereditary neoplastic syndrome. Identifiers: Orphanet 140162, MedGen C0027672, MeSH D009386, MONDO:0015356.
Cardiovascular phenotype. Identifiers: MedGen CN230736.
Neurofibromatosis, type 1 (NF1). Also called: VON RECKLINGHAUSEN DISEASE; Neurofibromatosis, type I; NEUROFIBROMATOSIS, TYPE I, SOMATIC; Peripheral type neurofibromatosis. Identifiers: Orphanet 636, MedGen C0027831, MONDO:0018975, OMIM 162200. Disease mechanism: loss of function.

Allele frequency attached by ClinVar (database versions not stated): gnomAD exomes below 0.00001.
gnomAD v4.1: 4 of 1,613,838 alleles (0.00025%); highest among the groups gnomAD compares: Non-Finnish European, 0.00034%; no homozygotes.

Submissions (2):

Labcorp Genetics (formerly Invitae), Labcorp
Classification: Uncertain significance for Neurofibromatosis, type 1. Last evaluated: 2025-07-22. Review status: criteria provided, single submitter. Criteria: Invitae Variant Classification Sherloc (09022015). Collection method: clinical testing. Allele origin: germline.
Comment: This sequence change replaces serine, which is neutral and polar, with asparagine, which is neutral and polar, at codon 1503 of the NF1 protein (p.Ser1503Asn). This variant is not present in population databases (gnomAD no frequency). This variant has not been reported in the literature in individuals affected with NF1-related conditions. ClinVar contains an entry for this variant (Variation ID: 3237786). Invitae Evidence Modeling of protein sequence and biophysical properties (such as structural, functional, and spatial information, amino acid conservation, physicochemical variation, residue mobility, and thermodynamic stability) indicates that this missense variant is expected to disrupt NF1 protein function with a positive predictive value of 95%. In summary, the available evidence is currently insufficient to determine the role of this variant in disease. Therefore, it has been classified as a Variant of Uncertain Significance.

Ambry Genetics
Classification: Uncertain significance for Cardiovascular phenotype; Hereditary cancer-predisposing syndrome. Last evaluated: 2023-02-28. Review status: criteria provided, single submitter. Criteria: Ambry Variant Classification Scheme 2023. Collection method: clinical testing. Allele origin: germline.
Comment: The p.S1503N variant (also known as c.4508G>A), located in coding exon 33 of the NF1 gene, results from a G to A substitution at nucleotide position 4508. The serine at codon 1503 is replaced by asparagine, an amino acid with highly similar properties. This amino acid position is conserved. In addition, the in silico prediction for this alteration is inconclusive. Since supporting evidence is limited at this time, the clinical significance of this alteration remains unclear.

NM_001042492.3(NF1):c.4571G>A (p.Ser1524Asn)

Gene: NF1 (neurofibromin 1; plus strand). Cytogenetic location: 17q11.2.
Variant type: single nucleotide variant.
Coding change: c.4571G>A on transcript NM_001042492.3 (MANE Select); coding-DNA position 4571, G replaced by A.
Protein change: p.Ser1524Asn; replaces serine 1524 with asparagine.
Molecular consequence: missense variant.
Genome position (GRCh38, 1-based): chr17:31,260,509, G>A. VCF-style: chr17-31260509-G-A. GRCh37 (hg19) VCF-style: chr17-29587527-G-A.
Other names: c.4508G>A, p.Ser1503Asn (NM_000267.4); short protein forms S1503N, S1524N.
Identifiers: ClinVar variation 3237786 (VCV003237786.2), dbSNP rs2151464857.
Genomic context (GRCh38, chr17:31,260,509, plus strand): 5'-TGCTTGCTTTACATCGTCTACTCTGGAACAATCAGGAGAAAATTGGGCAGTATCTTTCCA[G>A]CAACAGGTAAGATTTCCCAGTCATGGGGATAGTGAACACTCTCCGTTTAAATTTAGATTA-3'
Protein context (NP_001035957.1, residues 1514-1534): NQEKIGQYLS[Ser1524Asn]NRDHKAVGRR